The following is an entry in ClinVar:

ClinVar aggregate classification (germline): Likely benign (1 of 4 stars; one submission).

Allele frequency attached by ClinVar (database versions not stated): 1000 Genomes Project 0.01018; 1000 Genomes Project 30x 0.01140.
gnomAD v4.1: 1,687 of 152,366 alleles (1.1%); highest among the groups gnomAD compares: African/African-American, 3.8%; 30 homozygotes.

Submission:

GeneDx
Classification: Likely benign. Last evaluated: 2019-02-04. Review status: criteria provided, single submitter. Criteria: GeneDx Variant Classification Process June 2021. Collection method: clinical testing. Allele origin: germline. Affected: yes.
Comment: See Variant Classification Assertion Criteria.

NM_001113378.2(FANCI):c.2889+275A>G

Gene: FANCI (FA complementation group I; plus strand). Cytogenetic location: 15q26.1.
Variant type: single nucleotide variant.
Coding change: c.2889+275A>G on transcript NM_001113378.2 (MANE Select); 275 bases into the intron after coding-DNA position 2889, A replaced by G.
Molecular consequence: intron variant.
Genome position (GRCh38, 1-based): chr15:89,300,660, A>G. VCF-style: chr15-89300660-A-G. GRCh37 (hg19) VCF-style: chr15-89843891-A-G.
Other names: c.2709+275A>G (NM_018193.3); c.2889+275A>G (NM_001376911.1); c.2610+275A>G (NM_001376910.1).
Identifiers: ClinVar variation 1804450 (VCV001804450.1), dbSNP rs116655082, ClinGen allele CA274522207.